The following is an entry in ClinVar:

ClinVar aggregate classification (germline): Uncertain significance. Review status: criteria provided, multiple submitters, no conflicts (2 of 4 stars). 2 submissions from 2 submitters: Uncertain significance (2). Last evaluated 2024-05-02.

Conditions:
Adams-Oliver syndrome 5 (AOS5). Identifiers: Orphanet 974, MedGen C4014970, MONDO:0014459, OMIM 616028.
Familial thoracic aortic aneurysm and aortic dissection (TAAD). Also called: Thoracic aortic aneurysms and dissections. Identifiers: Orphanet 91387, MedGen C4707243, MONDO:0019625.

Allele frequency attached by ClinVar (database versions not stated): gnomAD 0.00001; gnomAD exomes 0.00001; TOPMed 0.00001.
gnomAD v4.1: 12 of 1,611,568 alleles (0.00074%); highest among the groups gnomAD compares: Admixed American, 0.0017%; no homozygotes.

Submissions (2):

Ambry Genetics
Classification: Uncertain significance for Familial thoracic aortic aneurysm and aortic dissection. Last evaluated: 2024-05-02. Review status: criteria provided, single submitter. Criteria: Ambry Variant Classification Scheme 2023. Collection method: clinical testing. Allele origin: germline.
Comment: The p.E1827K variant (also known as c.5479G>A), located in coding exon 30 of the NOTCH1 gene, results from a G to A substitution at nucleotide position 5479. The glutamic acid at codon 1827 is replaced by lysine, an amino acid with similar properties. This amino acid position is conserved. In addition, the in silico prediction for this alteration is inconclusive. Based on the available evidence, the clinical significance of this variant remains unclear.

Labcorp Genetics (formerly Invitae), Labcorp
Classification: Uncertain significance for Adams-Oliver syndrome 5. Last evaluated: 2024-03-12. Review status: criteria provided, single submitter. Criteria: Invitae Variant Classification Sherloc (09022015). Collection method: clinical testing. Allele origin: germline.
Comment: This sequence change replaces glutamic acid, which is acidic and polar, with lysine, which is basic and polar, at codon 1827 of the NOTCH1 protein (p.Glu1827Lys). This variant is present in population databases (no rsID available, gnomAD 0.0009%). This variant has not been reported in the literature in individuals affected with NOTCH1-related conditions. ClinVar contains an entry for this variant (Variation ID: 2420927). Advanced modeling of protein sequence and biophysical properties (such as structural, functional, and spatial information, amino acid conservation, physicochemical variation, residue mobility, and thermodynamic stability) performed at Invitae indicates that this missense variant is not expected to disrupt NOTCH1 protein function with a negative predictive value of 80%. In summary, the available evidence is currently insufficient to determine the role of this variant in disease. Therefore, it has been classified as a Variant of Uncertain Significance.

NM_017617.5(NOTCH1):c.5479G>A (p.Glu1827Lys)

Gene: NOTCH1 (notch receptor 1; minus strand). Cytogenetic location: 9q34.3.
Variant type: single nucleotide variant.
Coding change: c.5479G>A on transcript NM_017617.5 (MANE Select); coding-DNA position 5479, G replaced by A.
Protein change: p.Glu1827Lys; replaces glutamic acid 1827 with lysine.
Molecular consequence: missense variant.
Genome position (GRCh38, 1-based): chr9:136,501,907, C>T on the plus strand (G>A on the coding strand, the complement: NOTCH1 is on the minus strand). VCF-style: chr9-136501907-C-T. GRCh37 (hg19) VCF-style: chr9-139396359-C-T.
Other names: c.5479G>A (NM_017617.3); short protein forms E1827K.
Identifiers: ClinVar variation 2420927 (VCV002420927.7), dbSNP rs1459805992, ClinGen allele CA375639595.